The following is an entry in ClinVar:

NM_005267.5(GJA8):c.718del (p.Pro239_Val240insTer)

Gene: GJA8 (gap junction protein alpha 8; plus strand). Cytogenetic location: 1q21.2.
Variant type: Deletion.
Coding change: c.718del on transcript NM_005267.5 (MANE Select); coding-DNA position 718, one base deleted (G; older notation c.718delG).
Protein change: p.Pro239_Val240insTer.
Molecular consequence: nonsense.
Genome position (GRCh38, 1-based): chr1:147,908,673, G deleted. VCF-style (leftmost placement, unchanged base first): chr1-147908672-TG-T. GRCh37 (hg19) VCF-style: chr1-147380799-TG-T.
Identifiers: ClinVar variation 1684769 (VCV001684769.4), dbSNP rs2149016066, ClinGen allele CA2573131014.

ClinVar aggregate classification (germline): Conflicting classifications of pathogenicity. Review status: criteria provided, conflicting classifications (1 of 4 stars). 3 submissions from 3 submitters: Likely pathogenic (1); Uncertain significance (2). Last evaluated 2026-01-29.

Conditions:
Cataract 1 multiple types. Also called: CATARACT 1, STELLATE NUCLEAR, WITH MICROCORNEA; CATARACT 1, MULTIPLE TYPES, WITH OR WITHOUT MICROCORNEA; CATARACT, DUFFY-LINKED; CATARACT 1, POSTERIOR SUBCAPSULAR, WITH MICROCORNEA; CATARACT 1, NUCLEAR PROGRESSIVE; CATARACT 1 WITH MICROCORNEA. Identifiers: Orphanet 1377, MedGen C1861828, MONDO:0007285, OMIM 116200.

Submissions (3):

Dasa
Classification: Likely pathogenic. Last evaluated: 2026-01-29. Review status: criteria provided, single submitter. Criteria: DASA Assertion Criteria. Collection method: clinical testing. Allele origin: germline.
Comment: NM_005267.5(GJA8):c.718del (p.Val240*) is a nonsense variant in GJA8 predicted to introduce a premature termination codon and is predicted to result in an absent or altered protein product. Loss of function is an established disease mechanism for GJA8-associated disorders. Also, this variant is rare in population databases. Based on the currently available evidence, this variant is classified as likely pathogenic.

Laboratorio de Genetica e Diagnostico Molecular, Hospital Israelita Albert Einstein
Classification: Uncertain significance for Cataract 1 multiple types. Last evaluated: 2025-10-27. Review status: criteria provided, single submitter. Criteria: ACMG Guidelines, 2015. Collection method: clinical testing. Allele origin: germline. Affected: yes.
Comment: ACMG classification criteria: PM2 supporting

Mendelics
Classification: Uncertain significance. Last evaluated: 2022-05-04. Review status: criteria provided, single submitter. Criteria: Mendelics Assertion Criteria 2019. Collection method: clinical testing. Allele origin: germline.